The following is an entry in ClinVar:

ClinVar aggregate classification (germline): Likely benign (1 of 4 stars; one submission).

Conditions:
PLXNA2-related disorder. Also called: PLXNA2-related condition.

gnomAD v4.1: 1 of 1,614,092 alleles (0.000062%); highest among the groups gnomAD compares: East Asian, 0.0022%; no homozygotes.

Submission:

PreventionGenetics, part of Exact Sciences
Classification: Likely benign for PLXNA2-related condition. Last evaluated: 2026-06-07. Review status: criteria provided, single submitter. Criteria: ACMG Guidelines, 2015. Collection method: clinical testing. Allele origin: germline.
Comment: This variant is classified as likely benign based on ACMG/AMP sequence variant interpretation guidelines (Richards et al. 2015 PMID: 25741868, with internal and published modifications).

NM_025179.4(PLXNA2):c.3219G>A (p.Arg1073=)

Gene: PLXNA2 (plexin A2; minus strand). Cytogenetic location: 1q32.2.
Variant type: single nucleotide variant.
Coding change: c.3219G>A on transcript NM_025179.4 (MANE Select); coding-DNA position 3219, G replaced by A.
Protein change: p.Arg1073=; no amino-acid change (arginine 1073 retained).
Molecular consequence: synonymous variant.
Genome position (GRCh38, 1-based): chr1:208,051,045, C>T on the plus strand (G>A on the coding strand, the complement: PLXNA2 is on the minus strand). VCF-style: chr1-208051045-C-T. GRCh37 (hg19) VCF-style: chr1-208224390-C-T.
Identifiers: ClinVar variation 4994639 (VCV004994639.1).
Genomic context (GRCh38, chr1:208,051,045, plus strand): 5'-TGGGGCAGACCAACAGTTACTCACATTGACAGATTCTTTGCCATTGAATTTGACTCGGAT[C>T]CTTGGCTCCTGAATGACATCCAGGTTGAAGCCTGTGATGGTCAGGGGTGTGTGGCCACTG-3'
Protein context (NP_079455.3, residues 1063-1083): GFNLDVIQEP[Arg1073=]IRVKFNGKES